The following is an entry in ClinVar:

NM_001368894.2(PAX6):c.753G>A (p.Val251=)

Gene: PAX6 (paired box 6; minus strand). Cytogenetic location: 11p13.
Variant type: single nucleotide variant.
Coding change: c.753G>A on transcript NM_001368894.2 (MANE Select); coding-DNA position 753, G replaced by A.
Protein change: p.Val251=; no amino-acid change (valine 251 retained).
Molecular consequence: synonymous variant.
Genome position (GRCh38, 1-based): chr11:31,794,086, C>T on the plus strand (G>A on the coding strand, the complement: PAX6 is on the minus strand). VCF-style: chr11-31794086-C-T. GRCh37 (hg19) VCF-style: chr11-31815634-C-T.
Other names: c.711G>A, p.Val237= (NM_000280.6, NM_001127612.3, NM_001258464.2 and 10 more transcripts); c.753G>A, p.Val251= (NM_001258462.3, NM_001258463.2, NM_001310158.2 and 6 more transcripts); c.303G>A, p.Val101= (NM_001310160.2, NM_001310161.3, NM_001368899.2 and 11 more transcripts); c.954G>A, p.Val318= (NM_001368910.2); c.756G>A, p.Val252= (NM_001368911.2); c.828G>A, p.Val276= (NM_001368918.2, NM_001368919.2); c.786G>A, p.Val262= (NM_001368920.2); c.552G>A, p.Val184= (NM_001368921.2, NM_001368922.2, NM_001368923.2 and 4 more transcripts); and 2 more.
Identifiers: ClinVar variation 304357 (VCV000304357.48), dbSNP rs145329506, ClinGen allele CA5933808.

ClinVar aggregate classification (germline): Conflicting classifications of pathogenicity. Review status: criteria provided, conflicting classifications (1 of 4 stars). 13 submissions from 8 submitters: Uncertain significance (1); Benign (4); Likely benign (5). 3 of the submissions do not count toward it. Last evaluated 2026-08-01.

Conditions:
Aniridia 1 (AN1). Identifiers: Orphanet 250923, MedGen C0344542, MONDO:0024507, OMIM 106210.
Irido-corneo-trabecular dysgenesis (ASGD5). Also called: ANTERIOR SEGMENT DYSGENESIS 5. Identifiers: Orphanet 708, MedGen C0344559, MONDO:0011414, OMIM 604229, HP:0000659.
Anophthalmia-microphthalmia syndrome. Also called: Anophthalmia/Microphthalmia; Anophthalmia - microphthalmia. Identifiers: Orphanet 98555, MedGen C5680330, MONDO:0020147.
carboxymethyl-dextran-A2-gadolinium-DOTA.
11p partial monosomy syndrome (WAGR). Also called: WAGR Complex; CHROMOSOME 11p13 DELETION SYNDROME; WAGR syndrome; WAGR Spectrum Disorder. Identifiers: Orphanet 893, MedGen C0206115, MONDO:0008681, OMIM 194072.
Autosomal dominant keratitis. Also called: Keratitis, hereditary. Identifiers: Orphanet 2334, MedGen C1835698, MONDO:0007848, OMIM 148190.
Foveal hypoplasia 1. Also called: FOVEAL HYPOPLASIA 1 WITH ANTERIOR SEGMENT ANOMALIES; FOVEAL HYPOPLASIA 1 WITH OR WITHOUT ANTERIOR SEGMENT ANOMALIES AND/OR CATARACT. Identifiers: Orphanet 2253, MedGen C3805604, MONDO:0007628, OMIM 136520.

Allele frequency attached by ClinVar (database versions not stated): gnomAD exomes 0.00024 and 0.00045; ESP Exome Variant Server 0.00031; ExAC 0.00036; gnomAD 0.00037 and 0.00038; 1000 Genomes Project 0.00040; TOPMed 0.00042; 1000 Genomes Project 30x 0.00047.
gnomAD v4.1: 430 of 1,611,262 alleles (0.027%); highest among the groups gnomAD compares: Admixed American, 0.11%; no homozygotes.

Submissions (13):

CeGaT Center for Human Genetics Tuebingen
Classification: Likely benign. Last evaluated: 2026-08-01. Review status: criteria provided, single submitter. Criteria: CeGaT Center For Human Genetics Tuebingen Variant Classification Criteria Version 2. Collection method: clinical testing. Allele origin: germline. Affected: yes. Observed: 13 variant alleles.
Comment: PAX6: BP4, BP7, BS1

Labcorp Genetics (formerly Invitae), Labcorp
Classification: Benign for Aniridia 1; Irido-corneo-trabecular dysgenesis. Last evaluated: 2026-01-28. Review status: criteria provided, single submitter. Criteria: Invitae Variant Classification Sherloc (09022015). Collection method: clinical testing. Allele origin: germline.

Blueprint Genetics
Classification: Likely benign. Last evaluated: 2024-10-24. Review status: criteria provided, single submitter. Criteria: ACMG Guidelines, 2015. Collection method: clinical testing. Allele origin: germline.

GeneDx
Classification: Likely benign. Last evaluated: 2019-10-01. Review status: criteria provided, single submitter. Criteria: GeneDx Variant Classification Process June 2021. Collection method: clinical testing. Allele origin: germline. Affected: yes.

Illumina Laboratory Services, Illumina
Classification: Benign for Foveal hypoplasia 1. Last evaluated: 2018-01-12. Review status: criteria provided, single submitter. Criteria: ICSL Variant Classification Criteria 13 December 2019. Collection method: clinical testing. Allele origin: germline.
Comment: This variant was observed in the ICSL laboratory as part of a predisposition screen in an ostensibly healthy population. It had not been previously curated by ICSL or reported in the Human Gene Mutation Database (HGMD: prior to June 1st, 2018), and was therefore a candidate for classification through an automated scoring system. Utilizing variant allele frequency, disease prevalence and penetrance estimates, and inheritance mode, an automated score was calculated to assess if this variant is too frequent to cause the disease. Based on the score and internal cut-off values, a variant classified as benign is not then subjected to further curation. The score for this variant resulted in a classification of benign for this disease.

Illumina Laboratory Services, Illumina
Classification: Likely benign for carboxymethyl-dextran-A2-gadolinium-DOTA. Last evaluated: 2018-01-12. Review status: criteria provided, single submitter. Criteria: ICSL Variant Classification Criteria 13 December 2019. Collection method: clinical testing. Allele origin: germline.
Comment: This variant was observed in the ICSL laboratory as part of a predisposition screen in an ostensibly healthy population. It had not been previously curated by ICSL or reported in the Human Gene Mutation Database (HGMD: prior to June 1st, 2018), and was therefore a candidate for classification through an automated scoring system. Utilizing variant allele frequency, disease prevalence and penetrance estimates, and inheritance mode, an automated score was calculated to assess if this variant is too frequent to cause the disease. Based on the score and internal cut-off values, a variant classified as likely benign is not then subjected to further curation. The score for this variant resulted in a classification of likely benign for this disease.

Illumina Laboratory Services, Illumina
Classification: Benign for Autosomal dominant keratitis. Last evaluated: 2018-01-12. Review status: criteria provided, single submitter. Criteria: ICSL Variant Classification Criteria 13 December 2019. Collection method: clinical testing. Allele origin: germline.
Comment: the same text as in the submission from Illumina Laboratory Services, Illumina above.

Illumina Laboratory Services, Illumina
Classification: Likely benign for Aniridia 1. Last evaluated: 2018-01-12. Review status: criteria provided, single submitter. Criteria: ICSL Variant Classification Criteria 13 December 2019. Collection method: clinical testing. Allele origin: germline.
Comment: the same text as in the submission from Illumina Laboratory Services, Illumina above.

Illumina Laboratory Services, Illumina
Classification: Benign for Wilms tumor, aniridia, genitourinary anomalies, and mental retardation syndrome. Last evaluated: 2018-01-12. Review status: criteria provided, single submitter. Criteria: ICSL Variant Classification Criteria 13 December 2019. Collection method: clinical testing. Allele origin: germline.
Comment: the same text as in the submission from Illumina Laboratory Services, Illumina above.

Illumina Laboratory Services, Illumina
Classification: Uncertain significance for Anophthalmia-microphthalmia syndrome. Last evaluated: 2018-01-12. Review status: criteria provided, single submitter. Criteria: ICSL Variant Classification Criteria 13 December 2019. Collection method: clinical testing. Allele origin: germline.

Clinical Genetics DNA and cytogenetics Diagnostics Lab, Erasmus MC, Erasmus Medical Center
Classification: Likely benign. Review status: no assertion criteria provided. Collection method: clinical testing. Allele origin: germline. Affected: yes. Study: VKGL Data-share Consensus. Not counted in ClinVar's aggregate classification.

Joint Genome Diagnostic Labs from Nijmegen and Maastricht, Radboudumc and MUMC+
Classification: Likely benign. Review status: no assertion criteria provided. Collection method: clinical testing. Allele origin: germline. Affected: yes. Study: VKGL Data-share Consensus. Not counted in ClinVar's aggregate classification.

Laboratory of Diagnostic Genome Analysis, Leiden University Medical Center (LUMC)
Classification: Likely benign. Review status: no assertion criteria provided. Collection method: clinical testing. Allele origin: germline. Affected: yes. Study: VKGL Data-share Consensus. Not counted in ClinVar's aggregate classification.